The following is an entry in ClinVar:

ClinVar aggregate classification (germline): Uncertain significance. Review status: criteria provided, multiple submitters, no conflicts (2 of 4 stars). 6 submissions from 6 submitters: Uncertain significance (5). 1 of the submissions does not count toward it. Last evaluated 2025-12-02.

Conditions:
Inborn genetic diseases. Identifiers: MedGen C0950123, MeSH D030342.
CEP290-related disorder. Also called: CEP290-related condition; CEP290-related disorders. Identifiers: MedGen CN239314.
Nephronophthisis. Also called: Juvenile Nephronophthisis. Identifiers: Orphanet 655, MedGen C0687120, MONDO:0019005, HP:0000090.
Meckel-Gruber syndrome. Also called: GRUBER SYNDROME; Dysencephalia splachnocystica; DYSENCEPHALIA SPLANCHNOCYSTICA. Identifiers: Orphanet 564, MedGen C0265215, MONDO:0018921.
Joubert syndrome. Also called: Familial aplasia of the vermis; JOUBERT-BOLTSHAUSER SYNDROME. Identifiers: Orphanet 475, MedGen C5979921, MONDO:0018772.
Leber congenital amaurosis (LCA). Also called: Leber's amaurosis. Identifiers: Orphanet 65, MedGen C0339527, MeSH D057130, MONDO:0018998.

Submissions (6):

PreventionGenetics, part of Exact Sciences
Classification: Uncertain significance for CEP290-related condition. Last evaluated: 2025-12-02. Review status: criteria provided, single submitter. Criteria: ACMG Guidelines, 2015. Collection method: clinical testing. Allele origin: germline.
Comment: The CEP290 c.7411_7413delGAA variant is predicted to result in an in-frame deletion (p.Glu2471del). To our knowledge, this variant has not been reported in the literature. This variant is reported in 0.0042% of alleles in individuals of African descent in gnomAD. At this time, the clinical significance of this variant is uncertain due to the absence of conclusive functional and genetic evidence.

Ambry Genetics
Classification: Uncertain significance for Inborn genetic diseases. Last evaluated: 2025-04-03. Review status: criteria provided, single submitter. Criteria: Ambry Variant Classification Scheme 2023. Collection method: clinical testing. Allele origin: germline.
Comment: The c.7411_7413delGAA (p.E2471del) alteration is located in exon 54 (coding exon 53) of the CEP290 gene. This alteration consists of an in-frame deletion of 3 nucleotides between nucleotide positions c.7411 and c.7413, resulting in the deletion of 1 residue. Based on insufficient or conflicting evidence, the clinical significance of this alteration remains unclear.

Labcorp Genetics (formerly Invitae), Labcorp
Classification: Uncertain significance for Joubert syndrome; Meckel-Gruber syndrome; Nephronophthisis. Last evaluated: 2021-08-31. Review status: criteria provided, single submitter. Criteria: Invitae Variant Classification Sherloc (09022015). Collection method: clinical testing. Allele origin: germline.
Comment: This variant, c.7411_7413del, results in the deletion of 1 amino acid(s) of the CEP290 protein (p.Glu2471del), but otherwise preserves the integrity of the reading frame. This variant is present in population databases (rs777398895, ExAC 0.003%). This variant has not been reported in the literature in individuals affected with CEP290-related conditions. Experimental studies and prediction algorithms are not available or were not evaluated, and the functional significance of this variant is currently unknown. In summary, the available evidence is currently insufficient to determine the role of this variant in disease. Therefore, it has been classified as a Variant of Uncertain Significance.

Blueprint Genetics
Classification: Uncertain significance. Last evaluated: 2021-08-03. Review status: criteria provided, single submitter. Criteria: ACMG Guidelines, 2015. Collection method: clinical testing. Allele origin: germline.

Breakthrough Genomics
Classification: Uncertain significance. Review status: criteria provided, single submitter. Criteria: ACMG Guidelines, 2015. Collection method: not provided. Allele origin: germline. Inheritance: Autosomal recessive inheritance. Affected: yes.

Natera, Inc.
Classification: Uncertain significance for Leber congenital amaurosis. Last evaluated: 2020-06-09. Review status: no assertion criteria provided. Collection method: clinical testing. Allele origin: germline. Not counted in ClinVar's aggregate classification.

NM_025114.4(CEP290):c.7405GAA[2] (p.Glu2471del)

Genes: CEP290 (centrosomal protein 290; minus strand), RLIG1 (RNA 5'-phosphate and 3'-OH ligase 1; plus strand). Cytogenetic location: 12q21.32.
Variant type: Microsatellite.
Coding change: c.7405GAA[2] on transcript NM_025114.4 (MANE Select); two copies in a row of the 3-base unit GAA starting at c.7405; the reference has three copies in a row; one copy, 3 bases deleted; also written c.7411_7413del.
Protein change: p.Glu2471del; deletes glutamic acid 2471.
Molecular consequence: inframe deletion. On other transcripts: 3 prime UTR variant (1).
Genome position (GRCh38, 1-based): chr12:88,049,211-88,049,213, TTC deleted on the plus strand (GAA on the coding strand, the reverse complement: CEP290 is on the minus strand); deleting any 3 consecutive bases within chr12:88,049,211-88,049,219 gives the same sequence; the position shown is the placement nearest the transcript's 3' end. VCF-style (leftmost placement, unchanged base first): chr12-88049210-TTTC-T. GRCh37 (hg19) VCF-style: chr12-88442987-TTTC-T.
Other names: c.7411_7413del (NM_025114.4); c.*789TTC[2] (NM_001009894.3); c.7411_7413delGAA (NM_025114.3); short protein forms E2471del.
Identifiers: ClinVar variation 961105 (VCV000961105.11), dbSNP rs777398895, ClinGen allele CA6711272.
Genomic context (GRCh38, chr12:88,049,210, plus strand): 5'-AATAGTTAAATGAAACAAAGTTTATAGGTGACCTTTAGTAAATGGGGAAATTAACAGGAC[TTTC>T]TTCTTCATCTTCAAACTCTTCAGAAGCAGCAACAGGGCTAGTTAATTCAACTCCCAATTG-3'